The following is an entry in ClinVar:

NM_020163.3(SEMA3G):c.1891G>A (p.Glu631Lys)

Gene: SEMA3G (semaphorin 3G; minus strand). Cytogenetic location: 3p21.1.
Variant type: single nucleotide variant.
Coding change: c.1891G>A on transcript NM_020163.3 (MANE Select); coding-DNA position 1891, G replaced by A.
Protein change: p.Glu631Lys; replaces glutamic acid 631 with lysine.
Molecular consequence: missense variant.
Genome position (GRCh38, 1-based): chr3:52,436,061, C>T on the plus strand (G>A on the coding strand, the complement: SEMA3G is on the minus strand). VCF-style: chr3-52436061-C-T. GRCh37 (hg19) VCF-style: chr3-52470077-C-T.
Other names: short protein forms E631K.
Identifiers: ClinVar variation 4977065 (VCV004977065.1).
Genomic context (GRCh38, chr3:52,436,061, plus strand): 5'-CCGCATCGAAACGGCTAAGCCTGCGGAACAGCAGCCCCCGCTCCGTGTGCAAGACTCGCT[C>T]GTCCGTCTTCACCTGCCATGCGGGCGGGAGGGCGTGAGTAGGGTGCAAGGTGGGAGTTTA-3'
Protein context (NP_064548.1, residues 621-641): DEGPDQVKTD[Glu631Lys]RVLHTERGLL

ClinVar aggregate classification (germline): Uncertain significance (1 of 4 stars; one submission).

Conditions:
SEMA3G-related disorder. Also called: SEMA3G-related condition.

gnomAD v4.1: 3 of 1,608,244 alleles (0.00019%); highest among the groups gnomAD compares: Admixed American, 0.0017%; no homozygotes.

Submission:

PreventionGenetics, part of Exact Sciences
Classification: Uncertain significance for SEMA3G-related condition. Last evaluated: 2025-12-08. Review status: criteria provided, single submitter. Criteria: ACMG Guidelines, 2015. Collection method: clinical testing. Allele origin: germline.
Comment: The SEMA3G c.1891G>A variant is predicted to result in the amino acid substitution p.Glu631Lys. To our knowledge, this variant has not been reported in the literature. This variant is reported in 0.0041% of alleles in individuals of African descent in gnomAD. At this time, the clinical significance of this variant is uncertain due to the absence of conclusive functional and genetic evidence.